The following is an entry in ClinVar:

NM_017617.5(NOTCH1):c.428del (p.Pro143fs)

Gene: NOTCH1 (notch receptor 1; minus strand). Cytogenetic location: 9q34.3.
Variant type: Deletion.
Coding change: c.428del on transcript NM_017617.5 (MANE Select); coding-DNA position 428, one base deleted (C; older notation c.428delC).
Protein change: p.Pro143fs; shifts the reading frame from proline 143.
Molecular consequence: frameshift variant.
Genome position (GRCh38, 1-based): chr9:136,523,164, G deleted on the plus strand (C on the coding strand, the reverse complement: NOTCH1 is on the minus strand); the first of 3 consecutive G bases (chr9:136,523,164-136,523,166); deleting any one gives the same sequence. VCF-style (leftmost placement, unchanged base first): chr9-136523163-CG-C. GRCh37 (hg19) VCF-style: chr9-139417615-CG-C.
Other names: short protein forms P143fs.
Identifiers: ClinVar variation 1428655 (VCV001428655.30), dbSNP rs2133377982, ClinGen allele CA2573144393.
Genomic context (GRCh38, chr9:136,523,163, plus strand): 5'-GATGTAGGAGGCCTCGAAGGGCAGGCACTGGCCACCGTTGGCGCAGGGGTTGGAGGCGCA[CG>C]GGTCAGCCTGCTGGCACGATTTCCCTGGAGACAAGGGGACAAGAGGGTCGTGCTGGCCTC-3'

ClinVar aggregate classification (germline): Pathogenic. Review status: criteria provided, multiple submitters, no conflicts (2 of 4 stars). 2 submissions from 2 submitters: Pathogenic (2). Last evaluated 2023-08-01.

Conditions:
Adams-Oliver syndrome 5 (AOS5). Identifiers: Orphanet 974, MedGen C4014970, MONDO:0014459, OMIM 616028.

Submissions (2):

CeGaT Center for Human Genetics Tuebingen
Classification: Pathogenic. Last evaluated: 2023-08-01. Review status: criteria provided, single submitter. Criteria: CeGaT Center For Human Genetics Tuebingen Variant Classification Criteria Version 2. Collection method: clinical testing. Allele origin: germline. Affected: yes. Observed: 1 variant allele.
Comment: NOTCH1: PVS1, PM2

Labcorp Genetics (formerly Invitae), Labcorp
Classification: Pathogenic for Adams-Oliver syndrome 5. Last evaluated: 2020-10-29. Review status: criteria provided, single submitter. Criteria: Invitae Variant Classification Sherloc (09022015). Collection method: clinical testing. Allele origin: germline.
Comment: This sequence change creates a premature translational stop signal (p.Pro143Argfs*134) in the NOTCH1 gene. It is expected to result in an absent or disrupted protein product. Loss-of-function variants in NOTCH1 are known to be pathogenic (PMID: 16025100, 21457232, 25132448, 25963545). This variant is not present in population databases (ExAC no frequency). This variant has not been reported in the literature in individuals with NOTCH1-related conditions. Algorithms developed to predict the effect of sequence changes on RNA splicing suggest that this variant may create or strengthen a splice site, but this prediction has not been confirmed by published transcriptional studies. For these reasons, this variant has been classified as Pathogenic.

Literature cited by the submitters: PubMed 16025100 (cited by Labcorp Genetics (formerly Invitae), Labcorp); PubMed 21457232 (cited by Labcorp Genetics (formerly Invitae), Labcorp); PubMed 25132448 (cited by Labcorp Genetics (formerly Invitae), Labcorp); PubMed 25963545 (cited by Labcorp Genetics (formerly Invitae), Labcorp).